The following is an entry in ClinVar:

NM_153603.4(COG7):c.2068A>G (p.Met690Val)

Gene: COG7 (component of oligomeric golgi complex 7; minus strand). Cytogenetic location: 16p12.2.
Variant type: single nucleotide variant.
Coding change: c.2068A>G on transcript NM_153603.4 (MANE Select); coding-DNA position 2068, A replaced by G.
Protein change: p.Met690Val; replaces methionine 690 with valine.
Molecular consequence: missense variant.
Genome position (GRCh38, 1-based): chr16:23,392,458, T>C on the plus strand (A>G on the coding strand, the complement: COG7 is on the minus strand). VCF-style: chr16-23392458-T-C. GRCh37 (hg19) VCF-style: chr16-23403779-T-C.
Other names: short protein forms M690V.
Identifiers: ClinVar variation 598537 (VCV000598537.6), dbSNP rs141629916, ClinGen allele CA7960796.

ClinVar aggregate classification (germline): Uncertain significance. Review status: criteria provided, multiple submitters, no conflicts (2 of 4 stars). 2 submissions from 2 submitters: Uncertain significance (2). Last evaluated 2022-06-22.

Conditions:
COG7 congenital disorder of glycosylation (CDG2E). Also called: CONGENITAL DISORDER OF GLYCOSYLATION, TYPE IIe; CDG IIe. Identifiers: Orphanet 79333, MedGen C2931010, MONDO:0012118, OMIM 608779.

Allele frequency attached by ClinVar (database versions not stated): TOPMed 0.00002; gnomAD 0.00003; gnomAD exomes 0.00003 and 0.00004; ExAC 0.00005; ESP Exome Variant Server 0.00008.
gnomAD v4.1: 43 of 1,614,058 alleles (0.0027%); highest among the groups gnomAD compares: East Asian, 0.045%; no homozygotes.

Submissions (2):

Labcorp Genetics (formerly Invitae), Labcorp
Classification: Uncertain significance for COG7 congenital disorder of glycosylation. Last evaluated: 2022-06-22. Review status: criteria provided, single submitter. Criteria: Invitae Variant Classification Sherloc (09022015). Collection method: clinical testing. Allele origin: germline.
Comment: This sequence change replaces methionine, which is neutral and non-polar, with valine, which is neutral and non-polar, at codon 690 of the COG7 protein (p.Met690Val). This variant is present in population databases (rs141629916, gnomAD 0.05%). This variant has not been reported in the literature in individuals affected with COG7-related conditions. ClinVar contains an entry for this variant (Variation ID: 598537). Algorithms developed to predict the effect of missense changes on protein structure and function are either unavailable or do not agree on the potential impact of this missense change (SIFT: "Tolerated"; PolyPhen-2: "Possibly Damaging"; Align-GVGD: "Class C0"). In summary, the available evidence is currently insufficient to determine the role of this variant in disease. Therefore, it has been classified as a Variant of Uncertain Significance.

Eurofins Ntd Llc (ga)
Classification: Uncertain significance. Last evaluated: 2018-08-21. Review status: criteria provided, single submitter. Criteria: EGL ClinVar v180209 classification definitions. Collection method: clinical testing. Allele origin: germline. Observed: 1 variant allele, 1 heterozygote.